The following is an entry in ClinVar:

ClinVar aggregate classification (germline): Pathogenic. Review status: criteria provided, multiple submitters, no conflicts (2 of 4 stars). 4 submissions from 4 submitters: Pathogenic (3). 1 of the submissions does not count toward it. Last evaluated 2026-01-20.

Conditions:
EXPH5-related disorder. Also called: EXPH5-related condition.
Epidermolysis bullosa simplex 4, localized or generalized intermediate, autosomal recessive. Also called: Epidermolysis bullosa, nonspecific, autosomal recessive. Identifiers: Orphanet 412189, MedGen C3554367, MONDO:0014014, OMIM 615028.

Submissions (4):

PreventionGenetics, part of Exact Sciences
Classification: Pathogenic for EXPH5-related condition. Last evaluated: 2026-01-20. Review status: criteria provided, single submitter. Criteria: ACMG Guidelines, 2015. Collection method: clinical testing. Allele origin: germline.
Comment: The EXPH5 c.5786delC variant is predicted to result in a frameshift and premature protein termination (p.Pro1929Leufs*8). Immunohistochemical analysis of patient keratinocytes revealed disorganization and aggregation of keratin filaments along with abnormal F-actin distribution (McGrath et al. 2012. PubMed ID: 23176819), and an in vitro functional assay (same study) also found significantly impaired keratinocyte adhesion to the basement membrane due to reduced laminin-332 binding affinity. This variant is reported in 0.0055% of alleles in individuals of East Asian descent in gnomAD. Of note, this variant resides in the final exon of this gene, and it is unclear if the resulting messenger RNA would undergo nonsense-mediated decay. Taken together, this variant is interpreted as pathogenic.

First Genomix Gene Laboratory, Genetic Diagnostics Department
Classification: Pathogenic for Epidermolysis bullosa simplex 4, localized or generalized intermediate, autosomal recessive. Last evaluated: 2025-07-09. Review status: criteria provided, single submitter. Criteria: ACMG Guidelines, 2015. Collection method: clinical testing. Allele origin: germline. Inheritance: Autosomal recessive inheritance. Affected: no. Observed: 1 variant allele.

GeneDx
Classification: Pathogenic. Last evaluated: 2022-08-04. Review status: criteria provided, single submitter. Criteria: GeneDx Variant Classification Process June 2021. Collection method: clinical testing. Allele origin: germline. Affected: yes.
Comment: Analysis of a skin biopsy from one affected sibling showed loss of EXPH5 immunostaining, disruption of keratinocyte adhesion within the lower epidermis, and an increased number of perinuclear vesicles (McGrath et al., 2012); Frameshift variant predicted to result in protein truncation as the last 61 amino acids are replaced with 7 different amino acids, although loss-of-function variants have not been reported downstream of this position in the protein; This variant is associated with the following publications: (PMID: 23176819, 26211931, 34426522, 32176379, 33274474)

OMIM
Classification: Pathogenic for EPIDERMOLYSIS BULLOSA SIMPLEX 4, LOCALIZED OR GENERALIZED INTERMEDIATE, AUTOSOMAL RECESSIVE. Last evaluated: 2012-12-07. Review status: no assertion criteria provided. Collection method: literature only. Allele origin: germline. Not counted in ClinVar's aggregate classification.

Literature cited by the submitters: PubMed 23176819 (cited by OMIM); PubMed 32176379 (cited by OMIM).

NM_015065.3(EXPH5):c.5786del (p.Pro1929fs)

Gene: EXPH5 (exophilin 5; minus strand). Cytogenetic location: 11q22.3.
Variant type: Deletion.
Coding change: c.5786del on transcript NM_015065.3 (MANE Select); coding-DNA position 5786, one base deleted (C; older notation c.5786delC).
Protein change: p.Pro1929fs; shifts the reading frame from proline 1929.
Molecular consequence: frameshift variant.
Genome position (GRCh38, 1-based): chr11:108,509,721, G deleted on the plus strand (C on the coding strand, the reverse complement: EXPH5 is on the minus strand); the first of 3 consecutive G bases (chr11:108,509,721-108,509,723); deleting any one gives the same sequence. VCF-style (leftmost placement, unchanged base first): chr11-108509720-AG-A. GRCh37 (hg19) VCF-style: chr11-108380447-AG-A.
Other names: c.5558del, p.Pro1853fs (NM_001144763.2); c.5318del, p.Pro1773fs (NM_001144764.2); c.5222del, p.Pro1741fs (NM_001144765.2); c.5765del, p.Pro1922fs (NM_001308019.2); c.5786delC (NM_015065.2, NM_015065.3); short protein forms P1922fs, P1929fs, P1741fs, P1773fs, P1853fs.
Identifiers: ClinVar variation 265125 (VCV000265125.6), dbSNP rs749309384, ClinGen allele CA6267278.